The following is an entry in ClinVar:

ClinVar aggregate classification (germline): Likely benign (1 of 4 stars; one submission).

Conditions:
Neurodegeneration with brain iron accumulation 4 (NBIA4). Also called: MITOCHONDRIAL PROTEIN-ASSOCIATED NEURODEGENERATION. Identifiers: Orphanet 289560, MedGen C3280371, MONDO:0013674, OMIM 614298. Disease mechanism: loss of function.

Allele frequency attached by ClinVar (database versions not stated): 1000 Genomes Project 30x 0.00016; 1000 Genomes Project 0.00020; gnomAD 0.00025 and 0.00026; TOPMed 0.00032; gnomAD exomes 0.00034 and 0.00058; ExAC 0.00130.
gnomAD v4.1: 147 of 454,134 alleles (0.032%); highest among the groups gnomAD compares: Middle Eastern, 0.14%; no homozygotes.

Submission:

Illumina Laboratory Services, Illumina
Classification: Likely benign for Neurodegeneration with brain iron accumulation 4. Last evaluated: 2017-04-27. Review status: criteria provided, single submitter. Criteria: ICSL Variant Classification Criteria 13 December 2019. Collection method: clinical testing. Allele origin: germline.
Comment: This variant was observed as part of a predisposition screen in an ostensibly healthy population. A literature search was performed for the gene, cDNA change, and amino acid change (where applicable). No publications were found based on this search. Allele frequency data from public databases allowed determination this variant is unlikely to cause disease. Therefore, this variant is classified as likely benign.

NM_031448.6(C19orf12):c.*1854G>A

Gene: C19orf12 (chromosome 19 open reading frame 12; minus strand). Cytogenetic location: 19q12.
Variant type: single nucleotide variant.
Coding change: c.*1854G>A on transcript NM_031448.6 (MANE Select); 1854 bases downstream of the stop codon, G replaced by A.
Molecular consequence: 3 prime UTR variant.
Genome position (GRCh38, 1-based): chr19:29,700,858, C>T on the plus strand (G>A on the coding strand, the complement: C19orf12 is on the minus strand). VCF-style: chr19-29700858-C-T. GRCh37 (hg19) VCF-style: chr19-30191765-C-T.
Other names: c.*1854G>A (NM_001031726.4, NM_001256047.2, NM_001282929.1 and 2 more transcripts); c.*1901G>A (NM_001256046.3).
Identifiers: ClinVar variation 892280 (VCV000892280.4), dbSNP rs565402320, ClinGen allele CA9351718.
Genomic context (GRCh38, chr19:29,700,858, plus strand): 5'-TGGAGGTGCCAGGATACTGAGCTTTCCTATAAGCAGGGCCTCAGCAGAAGTGCCTCCCTC[C>T]GAGCCTCCAGGGCCTGAGAGGAGAGCCCCAAGTCCCTGCCCTGCCCCAGGACCTGGGGAC-3'